The following is an entry in ClinVar:

ClinVar aggregate classification (germline): Benign/Likely benign. Review status: criteria provided, multiple submitters, no conflicts (2 of 4 stars). 6 submissions from 6 submitters: Benign (2); Likely benign (3). 1 of the submissions does not count toward it. Last evaluated 2026-03-02.

Conditions:
KCNJ5-related disorder. Also called: KCNJ5-related condition.
Cardiovascular phenotype. Identifiers: MedGen CN230736.
Familial hyperaldosteronism type III. Also called: FH III; Familial hyperaldosteronism type 3. Identifiers: Orphanet 251274, MedGen C3838758, MONDO:0013359, OMIM 613677.
Long QT syndrome 13 (LQT13). Identifiers: Orphanet 101016, Orphanet 768, MedGen C3150733, MONDO:0013279, OMIM 613485.
Long QT syndrome (LQTS). Identifiers: MedGen C0023976, MeSH D008133, MONDO:0002442. Disease mechanism: loss of function. Inheritance: Various modes of inheritance.

Allele frequency attached by ClinVar (database versions not stated): gnomAD 0.00078 and 0.00076; TOPMed 0.00083; ESP Exome Variant Server 0.00100; 1000 Genomes Project 0.00120; 1000 Genomes Project 30x 0.00156; gnomAD exomes 0.00006 and 0.00018; ExAC 0.00029.
gnomAD v4.1: 208 of 1,613,986 alleles (0.013%); highest among the groups gnomAD compares: African/African-American, 0.26%; no homozygotes.

Submissions (6):

Women's Health and Genetics/Laboratory Corporation of America, LabCorp
Classification: Benign. Last evaluated: 2026-03-02. Review status: criteria provided, single submitter. Criteria: LabCorp Variant Classification Summary - May 2015. Collection method: clinical testing. Allele origin: germline.

Labcorp Genetics (formerly Invitae), Labcorp
Classification: Benign for Long QT syndrome. Last evaluated: 2025-12-21. Review status: criteria provided, single submitter. Criteria: Invitae Variant Classification Sherloc (09022015). Collection method: clinical testing. Allele origin: germline.

Fulgent Genetics
Classification: Likely benign for Long QT syndrome 13; Familial hyperaldosteronism type III. Last evaluated: 2021-09-15. Review status: criteria provided, single submitter. Criteria: ACMG Guidelines, 2015. Collection method: clinical testing. Allele origin: unknown.

GeneDx
Classification: Likely benign. Last evaluated: 2020-01-20. Review status: criteria provided, single submitter. Criteria: GeneDx Variant Classification Process June 2021. Collection method: clinical testing. Allele origin: germline. Affected: yes.

Ambry Genetics
Classification: Likely benign for Cardiovascular phenotype. Last evaluated: 2018-05-15. Review status: criteria provided, single submitter. Criteria: Ambry Variant Classification Scheme 2023. Collection method: clinical testing. Allele origin: germline.

PreventionGenetics, part of Exact Sciences
Classification: Likely benign for KCNJ5-related condition. Last evaluated: 2019-09-20. Review status: no assertion criteria provided. Collection method: clinical testing. Allele origin: germline. Not counted in ClinVar's aggregate classification.
Comment: This variant is classified as likely benign based on ACMG/AMP sequence variant interpretation guidelines (Richards et al. 2015 PMID: 25741868, with internal and published modifications).

NM_000890.5(KCNJ5):c.1149C>T (p.Pro383=)

Gene: KCNJ5 (potassium inwardly rectifying channel subfamily J member 5; plus strand). Cytogenetic location: 11q24.3.
Variant type: single nucleotide variant.
Coding change: c.1149C>T on transcript NM_000890.5 (MANE Select); coding-DNA position 1149, C replaced by T.
Protein change: p.Pro383=; no amino-acid change (proline 383 retained).
Molecular consequence: synonymous variant.
Genome position (GRCh38, 1-based): chr11:128,916,620, C>T. VCF-style: chr11-128916620-C-T. GRCh37 (hg19) VCF-style: chr11-128786515-C-T.
Other names: c.1149C>T (LRG_333t1); c.1149C>T, p.Pro383= (NM_001354169.2).
Identifiers: ClinVar variation 516126 (VCV000516126.21), dbSNP rs143219149, ClinGen allele CA6358005.